The following is an entry in ClinVar:

ClinVar aggregate classification (germline): Uncertain significance (1 of 4 stars; one submission).

Allele frequency attached by ClinVar (database versions not stated): gnomAD exomes below 0.00001; ExAC 0.00001.
gnomAD v4.1: 1 of 1,612,256 alleles (0.000062%); highest among the groups gnomAD compares: South Asian, 0.0011%; no homozygotes.

Submission:

Labcorp Genetics (formerly Invitae), Labcorp
Classification: Uncertain significance. Last evaluated: 2023-12-02. Review status: criteria provided, single submitter. Criteria: Invitae Variant Classification Sherloc (09022015). Collection method: clinical testing. Allele origin: germline.
Comment: This sequence change replaces asparagine, which is neutral and polar, with serine, which is neutral and polar, at codon 599 of the FAM111A protein (p.Asn599Ser). This variant is present in population databases (rs771196114, gnomAD 0.003%). This variant has not been reported in the literature in individuals affected with FAM111A-related conditions. Advanced modeling of protein sequence and biophysical properties (such as structural, functional, and spatial information, amino acid conservation, physicochemical variation, residue mobility, and thermodynamic stability) performed at Invitae indicates that this missense variant is not expected to disrupt FAM111A protein function with a negative predictive value of 80%. In summary, the available evidence is currently insufficient to determine the role of this variant in disease. Therefore, it has been classified as a Variant of Uncertain Significance.

NM_001312909.2(FAM111A):c.1796A>G (p.Asn599Ser)

Gene: FAM111A (FAM111 trypsin like peptidase A; plus strand). Cytogenetic location: 11q12.1.
Variant type: single nucleotide variant.
Coding change: c.1796A>G on transcript NM_001312909.2 (MANE Select); coding-DNA position 1796, A replaced by G.
Protein change: p.Asn599Ser; replaces asparagine 599 with serine.
Molecular consequence: missense variant.
Genome position (GRCh38, 1-based): chr11:59,153,464, A>G. VCF-style: chr11-59153464-A-G. GRCh37 (hg19) VCF-style: chr11-58920937-A-G.
Other names: c.1796A>G, p.Asn599Ser (NM_001142519.3, NM_001142520.3, NM_001142521.3 and 29 more transcripts); short protein forms N599S.
Identifiers: ClinVar variation 2700571 (VCV002700571.3), dbSNP rs771196114, ClinGen allele CA6016839.